The following is an entry in ClinVar:

ClinVar aggregate classification (germline): Pathogenic/Likely pathogenic. Review status: criteria provided, multiple submitters, no conflicts (2 of 4 stars). 4 submissions from 4 submitters: Pathogenic (2); Likely pathogenic (2). Last evaluated 2025-09-16.

Conditions:
Inherited glutathione synthetase deficiency. Identifiers: Orphanet 32, MedGen C5979912, MONDO:0017909.
Glutathione synthetase deficiency without 5-oxoprolinuria. Also called: ANEMIA, CONGENITAL, NONSPHEROCYTIC HEMOLYTIC, 6. Identifiers: Orphanet 289849, Orphanet 32, MedGen C1856399, MONDO:0009284, OMIM 231900.
Glutathione synthetase deficiency with 5-oxoprolinuria. Also called: Reduced glutathione synthetase level; Gluthathione synthetase deficiency; 5-OXOPROLINURIA DUE TO GLUTATHIONE SYNTHETASE DEFICIENCY; PYROGLUTAMIC ACIDURIA; 5-Oxoprolinuria. Identifiers: Orphanet 289846, MedGen C0398746, MONDO:0009947, OMIM 266130, HP:0003343.

Allele frequency attached by ClinVar (database versions not stated): TOPMed 0.00001; ExAC 0.00002; gnomAD exomes 0.00002 and 0.00003; gnomAD 0.00001.
gnomAD v4.1: 29 of 1,613,880 alleles (0.0018%); highest among the groups gnomAD compares: Admixed American, 0.0083%; no homozygotes.

Submissions (4):

Mayo Clinic Laboratories, Mayo Clinic
Classification: Likely pathogenic. Last evaluated: 2025-09-16. Review status: criteria provided, single submitter. Criteria: ACMG Guidelines, 2015. Collection method: clinical testing. Allele origin: germline. Observed: 1 variant allele.
Comment: PM2_supporting, PVS1

Labcorp Genetics (formerly Invitae), Labcorp
Classification: Pathogenic for Glutathione synthetase deficiency with 5-oxoprolinuria. Last evaluated: 2025-07-21. Review status: criteria provided, single submitter. Criteria: Invitae Variant Classification Sherloc (09022015). Collection method: clinical testing. Allele origin: germline.
Comment: This sequence change creates a premature translational stop signal (p.Arg237*) in the GSS gene. It is expected to result in an absent or disrupted protein product. Loss-of-function variants in GSS are known to be pathogenic (PMID: 12638941, 15717202). This variant is present in population databases (rs201925123, gnomAD 0.009%). This premature translational stop signal has been observed in individual(s) with glutathione synthetase deficiency (PMID: 15717202). ClinVar contains an entry for this variant (Variation ID: 840715). For these reasons, this variant has been classified as Pathogenic.

Fulgent Genetics
Classification: Pathogenic for Glutathione synthetase deficiency without 5-oxoprolinuria; Glutathione synthetase deficiency with 5-oxoprolinuria. Last evaluated: 2024-06-11. Review status: criteria provided, single submitter. Criteria: ACMG Guidelines, 2015. Collection method: clinical testing. Allele origin: germline.

Women's Health and Genetics/Laboratory Corporation of America, LabCorp
Classification: Likely pathogenic for Glutathione synthetase deficiency with 5-oxoprolinuria. Last evaluated: 2021-11-26. Review status: criteria provided, single submitter. Criteria: LabCorp Variant Classification Summary - May 2015. Collection method: clinical testing. Allele origin: germline.
Comment: Variant summary: GSS c.709C>T (p.Arg237X) results in a premature termination codon, predicted to cause a truncation of the encoded protein or absence of the protein due to nonsense mediated decay, which are commonly known mechanisms for disease. Truncations downstream of this position have been classified as pathogenic in ClinVar database. The variant allele was found at a frequency of 2.8e-05 in 251492 control chromosomes. c.709C>T has been reported in the literature in individuals affected with Glutathione Synthetase Deficiency (Njalsson_2005). One clinical diagnostic laboratory has submitted clinical-significance assessments for this variant to ClinVar after 2014 without evidence for independent evaluation and classified the variant as pathogenic. Based on the evidence outlined above, the variant was classified as likely pathogenic.

Literature cited by the submitters: PubMed 15717202 (cited by 3 submitters); PubMed 12638941 (cited by Labcorp Genetics (formerly Invitae), Labcorp).

NM_000178.4(GSS):c.709C>T (p.Arg237Ter)

Gene: GSS (glutathione synthetase; minus strand). Cytogenetic location: 20q11.22.
Variant type: single nucleotide variant.
Coding change: c.709C>T on transcript NM_000178.4 (MANE Select); coding-DNA position 709, C replaced by T.
Protein change: p.Arg237Ter; replaces arginine 237 with a stop codon.
Molecular consequence: nonsense.
Genome position (GRCh38, 1-based): chr20:34,936,821, G>A on the plus strand (C>T on the coding strand, the complement: GSS is on the minus strand). VCF-style: chr20-34936821-G-A. GRCh37 (hg19) VCF-style: chr20-33524624-G-A.
Other names: p.Arg237*; c.709C>T, p.Arg237Ter (NM_001322494.1, NM_001322495.1); short protein forms R237*.
Identifiers: ClinVar variation 840715 (VCV000840715.11), dbSNP rs201925123, ClinGen allele CA9825987.